The following is an entry in ClinVar:

ClinVar aggregate classification (germline): Uncertain significance. Review status: criteria provided, multiple submitters, no conflicts (2 of 4 stars). 2 submissions from 2 submitters: Uncertain significance (2). Last evaluated 2025-04-14.

Conditions:
Hereditary spastic paraplegia 73. Also called: Spastic paraplegia 73, autosomal dominant. Identifiers: Orphanet 444099, MedGen C5568981, MONDO:0014568, OMIM 616282.

Allele frequency attached by ClinVar (database versions not stated): gnomAD exomes below 0.00001; gnomAD 0.00001; TOPMed 0.00001; ExAC 0.00002; ESP Exome Variant Server 0.00008.
gnomAD v4.1: 6 of 1,612,846 alleles (0.00037%); highest among the groups gnomAD compares: African/African-American, 0.0027%; no homozygotes.

Submissions (2):

Women's Health and Genetics/Laboratory Corporation of America, LabCorp
Classification: Uncertain significance. Last evaluated: 2025-04-14. Review status: criteria provided, single submitter. Criteria: LabCorp Variant Classification Summary - May 2015. Collection method: clinical testing. Allele origin: germline.
Comment: Variant summary: CPT1C c.350C>T (p.Ala117Val) results in a non-conservative amino acid change in the encoded protein sequence. Three of five in-silico tools predict a benign effect of the variant on protein function. The variant allele was found at a frequency of 1.6e-05 in 250612 control chromosomes. The available data on variant occurrences in the general population are insufficient to allow any conclusion about variant significance. To our knowledge, no occurrence of c.350C>T in individuals affected with Hereditary Spastic Paraplegia 73 and no experimental evidence demonstrating its impact on protein function have been reported. ClinVar contains an entry for this variant (Variation ID: 2915442). Based on the evidence outlined above, the variant was classified as uncertain significance.

Labcorp Genetics (formerly Invitae), Labcorp
Classification: Uncertain significance for Hereditary spastic paraplegia 73. Last evaluated: 2023-03-26. Review status: criteria provided, single submitter. Criteria: Invitae Variant Classification Sherloc (09022015). Collection method: clinical testing. Allele origin: germline.
Comment: This variant has not been reported in the literature in individuals affected with CPT1C-related conditions. This variant is present in population databases (rs369992790, gnomAD 0.004%). This sequence change replaces alanine, which is neutral and non-polar, with valine, which is neutral and non-polar, at codon 117 of the CPT1C protein (p.Ala117Val). An algorithm developed to predict the effect of missense changes on protein structure and function (PolyPhen-2) suggests that this variant is likely to be tolerated. In summary, the available evidence is currently insufficient to determine the role of this variant in disease. Therefore, it has been classified as a Variant of Uncertain Significance.

NM_001199753.2(CPT1C):c.350C>T (p.Ala117Val)

Gene: CPT1C (carnitine palmitoyltransferase 1C; plus strand). Cytogenetic location: 19q13.33.
Variant type: single nucleotide variant.
Coding change: c.350C>T on transcript NM_001199753.2 (MANE Select); coding-DNA position 350, C replaced by T.
Protein change: p.Ala117Val; replaces alanine 117 with valine.
Molecular consequence: missense variant. On other transcripts: non-coding transcript variant (1).
Genome position (GRCh38, 1-based): chr19:49,700,752, C>T. VCF-style: chr19-49700752-C-T. GRCh37 (hg19) VCF-style: chr19-50204009-C-T.
Other names: c.350C>T, p.Ala117Val (NM_001136052.3, NM_001199752.3, NM_001378482.1 and 7 more transcripts); short protein forms A117V.
Identifiers: ClinVar variation 2915442 (VCV002915442.5), dbSNP rs369992790, ClinGen allele CA9581766.